The following is an entry in ClinVar:

ClinVar aggregate classification (germline): Uncertain significance (1 of 4 stars; one submission).

Submission:

GeneDx
Classification: Uncertain significance. Last evaluated: 2024-12-06. Review status: criteria provided, single submitter. Criteria: GeneDx Variant Classification Process June 2021. Collection method: clinical testing. Allele origin: germline. Affected: yes.
Comment: Not observed at significant frequency in large population cohorts (gnomAD); Has not been previously published as pathogenic or benign to our knowledge; Frameshift variant predicted to result in abnormal protein length as the last 20 amino acid(s) are replaced with 238 different amino acid(s) with an unclear effect on protein function

NM_001012426.2(FOXP4):c.1977_1980dup (p.Ala661fs)

Gene: FOXP4 (forkhead box P4; plus strand). Cytogenetic location: 6p21.1.
Variant type: Duplication.
Coding change: c.1977_1980dup on transcript NM_001012426.2 (MANE Select); coding-DNA positions 1977 to 1980, 4 bases duplicated (CAGC; older notation c.1977_1980dupCAGC).
Protein change: p.Ala661fs; shifts the reading frame from alanine 661.
Molecular consequence: frameshift variant.
Genome position (GRCh38, 1-based): chr6:41,598,870-41,598,873, CAGC duplicated; duplicating any 4 consecutive bases within chr6:41,598,869-41,598,873 gives the same sequence; the c. name uses the placement nearest the transcript's 3' end. VCF-style (leftmost placement, unchanged base first): chr6-41598868-C-CCCAG. GRCh37 (hg19) VCF-style: chr6-41566606-C-CCCAG.
Other names: c.1971_1974dup, p.Ala659fs (NM_001012427.2); c.1941_1944dup, p.Ala649fs (NM_001405824.1); c.1881_1884dup, p.Ala629fs (NM_001405825.1); c.1845_1848dup, p.Ala617fs (NM_001405826.1); c.1938_1941dup, p.Ala648fs (NM_138457.3); short protein forms A617fs, A629fs, A648fs, A649fs, A659fs, A661fs.
Identifiers: ClinVar variation 3901688 (VCV003901688.1).